The following is an entry in ClinVar:

NM_001372044.2(SHANK3):c.1894G>A (p.Asp632Asn)

Genes: SHANK3 (SH3 and multiple ankyrin repeat domains 3; plus strand), LOC126863188 (CDK7 strongly-dependent group 2 enhancer GRCh37_chr22:51142004-51143203; plus strand). Cytogenetic location: 22q13.33.
Variant type: single nucleotide variant.
Coding change: c.1894G>A on transcript NM_001372044.2 (MANE Select); coding-DNA position 1894, G replaced by A.
Protein change: p.Asp632Asn; replaces aspartic acid 632 with asparagine.
Molecular consequence: missense variant.
Genome position (GRCh38, 1-based): chr22:50,703,916, G>A. VCF-style: chr22-50703916-G-A. GRCh37 (hg19) VCF-style: chr22-51142344-G-A.
Other names: c.1669G>A, p.Asp557Asn (NM_033517.1); short protein forms D557N, D632N.
Identifiers: ClinVar variation 589209 (VCV000589209.5), dbSNP rs1026107866, ClinGen allele CA325559262.
Genomic context (GRCh38, chr22:50,703,916, plus strand): 5'-TCAGAAACGCGGGAGGACCGGACGAAGCGGCTCTTTCGGCACTACACAGTGGGCTCCTAC[G>A]ACAGCCTCACCTCACACAGGTACGTGCAGGGACCCTGGCTGGCGGGAGCATGCATGTGGG-3'
Protein context (NP_001358973.1, residues 622-642): LFRHYTVGSY[Asp632Asn]SLTSHSDYVI

ClinVar aggregate classification (germline): Uncertain significance (1 of 4 stars; one submission).

Conditions:
Inborn genetic diseases. Identifiers: MedGen C0950123, MeSH D030342.

Allele frequency attached by ClinVar (database versions not stated): TOPMed below 0.00001.

Submission:

Ambry Genetics
Classification: Uncertain significance for Inborn genetic diseases. Last evaluated: 2017-05-31. Review status: criteria provided, single submitter. Criteria: Ambry Variant Classification Scheme 2023. Collection method: clinical testing. Allele origin: germline.
Comment: The p.D557N variant (also known as c.1669G>A), located in coding exon 13 of the SHANK3 gene, results from a G to A substitution at nucleotide position 1669. The aspartic acid at codon 557 is replaced by asparagine, an amino acid with highly similar properties. This nucleotide position is highly conserved in available vertebrate species. In addition, this alteration is predicted to be probably damaging and tolerated by PolyPhen and SIFT in silico analyses, respectively. Since supporting evidence is limited at this time, the clinical significance of this alteration remains unclear.